The following is an entry in ClinVar:

ClinVar aggregate classification (germline): Pathogenic (1 of 4 stars; one submission).

Submission:

Labcorp Genetics (formerly Invitae), Labcorp
Classification: Pathogenic. Last evaluated: 2025-12-21. Review status: criteria provided, single submitter. Criteria: Invitae Variant Classification Sherloc (09022015). Collection method: clinical testing. Allele origin: germline.
Comment: This sequence change creates a premature translational stop signal (p.Arg528Lysfs*5) in the FAM161A gene. It is expected to result in an absent or disrupted protein product. Loss-of-function variants in FAM161A are known to be pathogenic (PMID: 20705278, 20705279, 24651477). This variant is not present in population databases (gnomAD no frequency). This variant has not been reported in the literature in individuals affected with FAM161A-related conditions. For these reasons, this variant has been classified as Pathogenic.

Literature cited by the submitters: PubMed 20705278; PubMed 20705279; PubMed 24651477.

NM_001201543.2(FAM161A):c.1580dup (p.Arg528fs)

Gene: FAM161A (FAM161 centrosomal protein A; minus strand). Cytogenetic location: 2p15.
Variant type: Duplication.
Coding change: c.1580dup on transcript NM_001201543.2 (MANE Select); coding-DNA position 1580, one base duplicated (T; older notation c.1580dupT).
Protein change: p.Arg528fs; shifts the reading frame from arginine 528.
Molecular consequence: frameshift variant. On other transcripts: non-coding transcript variant (1).
Genome position (GRCh38, 1-based): chr2:61,839,424, A duplicated on the plus strand (T on the coding strand, the reverse complement: FAM161A is on the minus strand). VCF-style (leftmost placement, unchanged base first): chr2-61839423-T-TA. GRCh37 (hg19) VCF-style: chr2-62066558-T-TA.
Other names: c.1580dup, p.Arg528fs (NM_032180.3); short protein forms R528fs.
Identifiers: ClinVar variation 4773296 (VCV004773296.2).
Genomic context (GRCh38, chr2:61,839,423, plus strand): 5'-GCTGCATACACTCATCTGGCAACCATGAGTCAGTCAGTACTGCGTCCTACTTACTTACCT[T>TA]ACGGCTTGTTCTCGTCCTCTGGAAGATACCGTGGGCACGGGAGGGTTGCAGTTACAAGGC-3'